The following is an entry in ClinVar:

NM_021969.3(NR0B2):c.138C>T (p.Pro46=)

Genes: NR0B2 (nuclear receptor subfamily 0 group B member 2; minus strand), NUDC (nuclear distribution C, dynein complex regulator; plus strand). Cytogenetic location: 1p36.11.
Variant type: single nucleotide variant.
Coding change: c.138C>T on transcript NM_021969.3 (MANE Select); coding-DNA position 138, C replaced by T.
Protein change: p.Pro46=; no amino-acid change (proline 46 retained).
Molecular consequence: synonymous variant.
Genome position (GRCh38, 1-based): chr1:26,913,803, G>A on the plus strand (C>T on the coding strand, the complement: NR0B2 is on the minus strand). VCF-style: chr1-26913803-G-A. GRCh37 (hg19) VCF-style: chr1-27240294-G-A.
Other names: c.138C>T (NM_021969.2).
Identifiers: ClinVar variation 1587422 (VCV001587422.10), dbSNP rs370821222, ClinGen allele CA709718.

ClinVar aggregate classification (germline): Likely benign. Review status: criteria provided, single submitter (1 of 4 stars). 2 submissions from 2 submitters: Likely benign (1). 1 of the submissions does not count toward it. Last evaluated 2025-10-04.

Conditions:
NR0B2-related disorder. Also called: NR0B2-related condition.

Allele frequency attached by ClinVar (database versions not stated): gnomAD exomes 0.00003 and 0.00005; gnomAD 0.00004; ExAC 0.00007; ESP Exome Variant Server 0.00008.
gnomAD v4.1: 45 of 1,527,262 alleles (0.0029%); highest among the groups gnomAD compares: Non-Finnish European, 0.0036%; 1 homozygote.

Submissions (2):

Labcorp Genetics (formerly Invitae), Labcorp
Classification: Likely benign. Last evaluated: 2025-10-04. Review status: criteria provided, single submitter. Criteria: Invitae Variant Classification Sherloc (09022015). Collection method: clinical testing. Allele origin: germline.

PreventionGenetics, part of Exact Sciences
Classification: Likely benign for NR0B2-related condition. Last evaluated: 2019-03-22. Review status: no assertion criteria provided. Collection method: clinical testing. Allele origin: germline. Not counted in ClinVar's aggregate classification.
Comment: This variant is classified as likely benign based on ACMG/AMP sequence variant interpretation guidelines (Richards et al. 2015 PMID: 25741868, with internal and published modifications).